The following is an entry in ClinVar:

ClinVar aggregate classification (germline): Uncertain significance. Review status: criteria provided, multiple submitters, no conflicts (2 of 4 stars). 2 submissions from 2 submitters: Uncertain significance (2). Last evaluated 2025-07-21.

Conditions:
Hereditary cancer-predisposing syndrome. Also called: Hereditary neoplastic syndrome; Neoplastic Syndromes, Hereditary; Tumor predisposition; Hereditary Cancer Syndrome. Identifiers: Orphanet 140162, MedGen C0027672, MeSH D009386, MONDO:0015356.

Submissions (2):

Ambry Genetics
Classification: Uncertain significance for Hereditary cancer-predisposing syndrome. Last evaluated: 2025-07-21. Review status: criteria provided, single submitter. Criteria: Ambry Variant Classification Scheme 2023. Collection method: clinical testing. Allele origin: germline.
Comment: The p.L2342F variant (also known as c.7026A>C), located in coding exon 15 of the APC gene, results from an A to C substitution at nucleotide position 7026. The leucine at codon 2342 is replaced by phenylalanine, an amino acid with highly similar properties. This amino acid position is highly conserved in available vertebrate species. In addition, in silico predictors for this gene do not accurately predict pathogenicity. Missense alterations in APC are not a common cause of disease (Spier I et al. Genet Med. 2024 Feb;26(2):100992). Based on the available evidence, the clinical significance of this variant remains unclear.

Color Diagnostics, LLC DBA Color Health
Classification: Uncertain significance for Hereditary cancer-predisposing syndrome. Last evaluated: 2025-06-30. Review status: criteria provided, single submitter. Criteria: ACMG Guidelines, 2015. Collection method: clinical testing. Allele origin: germline.
Comment: This missense variant replaces leucine with phenylalanine at codon 2342 of the APC protein. Computational prediction suggests that this variant may not impact protein structure and function. To our knowledge, functional studies have not been reported for this variant. This variant has not been reported in individuals affected with APC-related disorders in the literature. This variant has been identified in 1/250076 chromosomes in the general population by the Genome Aggregation Database (gnomAD). The available evidence is insufficient to determine the role of this variant in disease conclusively. Therefore, this variant is classified as a Variant of Uncertain Significance.

NM_000038.6(APC):c.7026A>C (p.Leu2342Phe)

Gene: APC (APC regulator of Wnt signaling pathway; plus strand). Cytogenetic location: 5q22.2.
Variant type: single nucleotide variant.
Coding change: c.7026A>C on transcript NM_000038.6 (MANE Select); coding-DNA position 7026, A replaced by C.
Protein change: p.Leu2342Phe; replaces leucine 2342 with phenylalanine.
Molecular consequence: missense variant. On other transcripts: non-coding transcript variant (2).
Genome position (GRCh38, 1-based): chr5:112,842,620, A>C. VCF-style: chr5-112842620-A-C. GRCh37 (hg19) VCF-style: chr5-112178317-A-C.
Other names: c.6849A>C, p.Leu2283Phe (NM_001407453.1, NM_001354901.2); c.6777A>C, p.Leu2259Phe (NM_001407454.1, NM_001407455.1, NM_001407456.1 and 1 more transcripts); c.6723A>C, p.Leu2241Phe (NM_001407458.1, NM_001407459.1, NM_001407460.1 and 1 more transcripts); c.6639A>C, p.Leu2213Phe (NM_001407467.1, NM_001407469.1); c.6177A>C, p.Leu2059Phe (NM_001407470.1, NM_001354906.2); c.5874A>C, p.Leu1958Phe (NM_001407471.1, NM_001407472.1); c.7026A>C, p.Leu2342Phe (NM_001127510.3, NM_001354895.2, NM_001407450.1); c.6972A>C, p.Leu2324Phe (NM_001127511.3); and 11 more; short protein forms L2182F, L2213F, L2301F, L2332F, L2216F, L2251F, L2259F, L2317F.
Identifiers: ClinVar variation 4120831 (VCV004120831.2).
Genomic context (GRCh38, chr5:112,842,620, plus strand): 5'-GTCTCCTGGCCGAAACTCAATTTCCCCTGGTAGAAATGGAATAAGTCCTCCTAACAAATT[A>C]TCTCAACTTCCAAGGACATCATCCCCTAGTACTGCTTCAACTAAGTCCTCAGGTTCTGGA-3'
Protein context (NP_000029.2, residues 2332-2352): GRNGISPPNK[Leu2342Phe]SQLPRTSSPS